The following is an entry in ClinVar:

ClinVar aggregate classification (germline): Uncertain significance (1 of 4 stars; one submission).

Conditions:
Severe combined immunodeficiency due to DNA-PKcs deficiency. Also called: IMMUNODEFICIENCY 26 WITH NEUROLOGIC ABNORMALITIES; Immunodeficiency 26 with or without neurologic abnormalities. Identifiers: Orphanet 317425, MedGen C4014833, MONDO:0014423, OMIM 615966.

Submission:

Labcorp Genetics (formerly Invitae), Labcorp
Classification: Uncertain significance for Severe combined immunodeficiency due to DNA-PKcs deficiency. Last evaluated: 2023-12-07. Review status: criteria provided, single submitter. Criteria: Invitae Variant Classification Sherloc (09022015). Collection method: clinical testing. Allele origin: germline.
Comment: This sequence change replaces lysine, which is basic and polar, with methionine, which is neutral and non-polar, at codon 2001 of the PRKDC protein (p.Lys2001Met). This variant is not present in population databases (gnomAD no frequency). This variant has not been reported in the literature in individuals affected with PRKDC-related conditions. ClinVar contains an entry for this variant (Variation ID: 1393592). Advanced modeling of protein sequence and biophysical properties (such as structural, functional, and spatial information, amino acid conservation, physicochemical variation, residue mobility, and thermodynamic stability) has been performed at Invitae for this missense variant, however the output from this modeling did not meet the statistical confidence thresholds required to predict the impact of this variant on PRKDC protein function. In summary, the available evidence is currently insufficient to determine the role of this variant in disease. Therefore, it has been classified as a Variant of Uncertain Significance.

NM_006904.7(PRKDC):c.6002A>T (p.Lys2001Met)

Gene: PRKDC (protein kinase, DNA-activated, catalytic subunit; minus strand). Cytogenetic location: 8q11.21.
Variant type: single nucleotide variant.
Coding change: c.6002A>T on transcript NM_006904.7 (MANE Select); coding-DNA position 6002, A replaced by T.
Protein change: p.Lys2001Met; replaces lysine 2001 with methionine.
Molecular consequence: missense variant.
Genome position (GRCh38, 1-based): chr8:47,860,955, T>A on the plus strand (A>T on the coding strand, the complement: PRKDC is on the minus strand). VCF-style: chr8-47860955-T-A. GRCh37 (hg19) VCF-style: chr8-48773516-T-A.
Other names: c.6002A>T, p.Lys2001Met (NM_001081640.2); short protein forms K2001M.
Identifiers: ClinVar variation 1393592 (VCV001393592.6), dbSNP rs2154500645, ClinGen allele CA371161584.